The following is an entry in ClinVar:

ClinVar aggregate classification (germline): Uncertain significance (1 of 4 stars; one submission).

Conditions:
MYH14-related disorder. Also called: MYH14-related condition.

gnomAD v4.1: 20 of 1,554,830 alleles (0.0013%); highest among the groups gnomAD compares: East Asian, 0.0072%; no homozygotes.

Submission:

PreventionGenetics, part of Exact Sciences
Classification: Uncertain significance for MYH14-related condition. Last evaluated: 2026-09-10. Review status: criteria provided, single submitter. Criteria: ACMG Guidelines, 2015. Collection method: clinical testing. Allele origin: germline.
Comment: The MYH14 c.3647C>T variant is predicted to result in the amino acid substitution p.Thr1216Met. To our knowledge, this variant has not been reported in the literature. This variant is reported in 0.012% of alleles in individuals of African descent in gnomAD. Although we suspect that this variant may be benign, at this time, the clinical significance of this variant is uncertain due to the absence of conclusive functional and genetic evidence.

NM_001145809.2(MYH14):c.3647C>T (p.Thr1216Met)

Gene: MYH14 (myosin heavy chain 14; plus strand). Cytogenetic location: 19q13.33.
Variant type: single nucleotide variant.
Coding change: c.3647C>T on transcript NM_001145809.2 (MANE Select); coding-DNA position 3647, C replaced by T.
Protein change: p.Thr1216Met; replaces threonine 1216 with methionine.
Molecular consequence: missense variant.
Genome position (GRCh38, 1-based): chr19:50,276,170, C>T. VCF-style: chr19-50276170-C-T. GRCh37 (hg19) VCF-style: chr19-50779427-C-T.
Other names: c.3548C>T, p.Thr1183Met (NM_001077186.2); c.3524C>T, p.Thr1175Met (NM_024729.4); short protein forms T1175M, T1216M, T1183M.
Identifiers: ClinVar variation 4988489 (VCV004988489.1).